The following is an entry in ClinVar:

NM_018979.4(WNK1):c.7019C>T (p.Thr2340Met)

Gene: WNK1 (WNK lysine deficient protein kinase 1; plus strand). Cytogenetic location: 12p13.33.
Variant type: single nucleotide variant.
Coding change: c.7019C>T on transcript NM_018979.4 (MANE Select); coding-DNA position 7019, C replaced by T.
Protein change: p.Thr2340Met; replaces threonine 2340 with methionine.
Molecular consequence: missense variant.
Genome position (GRCh38, 1-based): chr12:908,662, C>T. VCF-style: chr12-908662-C-T. GRCh37 (hg19) VCF-style: chr12-1017828-C-T.
Other names: c.7799C>T, p.Thr2600Met (NM_001184985.2); c.6275C>T, p.Thr2092Met (NM_014823.3); c.7775C>T, p.Thr2592Met (NM_213655.5); c.7019C>T (NM_018979.3); short protein forms T2092M, T2592M, T2600M, T2340M.
Identifiers: ClinVar variation 1418228 (VCV001418228.11), dbSNP rs767029551, ClinGen allele CA6383548.

ClinVar aggregate classification (germline): Uncertain significance. Review status: criteria provided, multiple submitters, no conflicts (2 of 4 stars). 3 submissions from 3 submitters: Uncertain significance (3). Last evaluated 2026-02-10.

Conditions:
WNK1-related disorder. Also called: WNK1-related condition.
Inborn genetic diseases. Identifiers: MedGen C0950123, MeSH D030342.
Pseudohypoaldosteronism type 2C (PHA2C). Also called: Pseudohypoaldosteronism Type IIC. Identifiers: Orphanet 757, Orphanet 88940, MedGen C1840391, MONDO:0013778, OMIM 614492.
Neuropathy, hereditary sensory and autonomic, type 2A (HSAN2A). Also called: ACROOSTEOLYSIS, GIACCAI TYPE; ACROOSTEOLYSIS, NEUROGENIC; WNK1-Related HSAN2 (HSAN2A); MORVAN DISEASE; NEUROPATHY, CONGENITAL SENSORY; NEUROPATHY, HEREDITARY SENSORY RADICULAR, AUTOSOMAL RECESSIVE. Identifiers: Orphanet 970, MedGen C2752089, MONDO:0024309, OMIM 201300.

Allele frequency attached by ClinVar (database versions not stated): ExAC 0.00002; gnomAD exomes 0.00004 and 0.00016; TOPMed 0.00005; gnomAD 0.00006 and 0.00007.
gnomAD v4.1: 246 of 1,614,064 alleles (0.015%); highest among the groups gnomAD compares: East Asian, 0.067%; no homozygotes.

Submissions (3):

PreventionGenetics, part of Exact Sciences
Classification: Uncertain significance for WNK1-related condition. Last evaluated: 2026-02-10. Review status: criteria provided, single submitter. Criteria: ACMG Guidelines, 2015. Collection method: clinical testing. Allele origin: germline.
Comment: The WNK1 c.7019C>T variant is predicted to result in the amino acid substitution p.Thr2340Met. To our knowledge, this variant has not been reported in the literature. This variant is reported in 0.0077% of alleles in individuals of European (Non-Finnish) descent in gnomAD. At this time, the clinical significance of this variant is uncertain due to the absence of conclusive functional and genetic evidence.

Labcorp Genetics (formerly Invitae), Labcorp
Classification: Uncertain significance for Neuropathy, hereditary sensory and autonomic, type 2A; Pseudohypoaldosteronism type 2C. Last evaluated: 2025-12-12. Review status: criteria provided, single submitter. Criteria: Invitae Variant Classification Sherloc (09022015). Collection method: clinical testing. Allele origin: germline.
Comment: This sequence change replaces threonine, which is neutral and polar, with methionine, which is neutral and non-polar, at codon 2592 of the WNK1 protein (p.Thr2592Met). This variant is present in population databases (rs767029551, gnomAD 0.008%). This variant has not been reported in the literature in individuals affected with WNK1-related conditions. ClinVar contains an entry for this variant (Variation ID: 1418228). Invitae Evidence Modeling of protein sequence and biophysical properties (such as structural, functional, and spatial information, amino acid conservation, physicochemical variation, residue mobility, and thermodynamic stability) indicates that this missense variant is not expected to disrupt WNK1 protein function with a negative predictive value of 95%. In summary, the available evidence is currently insufficient to determine the role of this variant in disease. Therefore, it has been classified as a Variant of Uncertain Significance.

Ambry Genetics
Classification: Uncertain significance for Inborn genetic diseases. Last evaluated: 2021-05-05. Review status: criteria provided, single submitter. Criteria: Ambry Variant Classification Scheme 2023. Collection method: clinical testing. Allele origin: germline.
Comment: The p.T2592M variant (also known as c.7775C>T), located in coding exon 28 of the WNK1 gene, results from a C to T substitution at nucleotide position 7775. The threonine at codon 2592 is replaced by methionine, an amino acid with similar properties. This amino acid position is well conserved in available vertebrate species. In addition, the in silico prediction for this alteration is inconclusive. Since supporting evidence is limited at this time, the clinical significance of this alteration remains unclear.